The following is an entry in ClinVar:

NM_172362.3(KCNH1):c.2368G>A (p.Val790Met)

Gene: KCNH1 (potassium voltage-gated channel subfamily H member 1; minus strand). Cytogenetic location: 1q32.2.
Variant type: single nucleotide variant.
Coding change: c.2368G>A on transcript NM_172362.3 (MANE Select); coding-DNA position 2368, G replaced by A.
Protein change: p.Val790Met; replaces valine 790 with methionine.
Molecular consequence: missense variant.
Genome position (GRCh38, 1-based): chr1:210,683,883, C>T on the plus strand (G>A on the coding strand, the complement: KCNH1 is on the minus strand). VCF-style: chr1-210683883-C-T. GRCh37 (hg19) VCF-style: chr1-210857225-C-T.
Other names: c.2287G>A, p.Val763Met (NM_002238.4); c.2368G>A (NM_172362.2); short protein forms V763M, V790M.
Identifiers: ClinVar variation 1413254 (VCV001413254.8), dbSNP rs149579222, ClinGen allele CA1379685.

ClinVar aggregate classification (germline): Likely benign. Review status: criteria provided, multiple submitters, no conflicts (2 of 4 stars). 2 submissions from 2 submitters: Likely benign (2). Last evaluated 2024-02-16.

Allele frequency attached by ClinVar (database versions not stated): gnomAD exomes below 0.00001 and 0.00003; gnomAD 0.00001; TOPMed 0.00001; ExAC 0.00002; ESP Exome Variant Server 0.00015.
gnomAD v4.1: 48 of 1,613,928 alleles (0.003%); highest among the groups gnomAD compares: Non-Finnish European, 0.0037%; no homozygotes.

Submissions (2):

Labcorp Genetics (formerly Invitae), Labcorp
Classification: Likely benign. Last evaluated: 2024-02-16. Review status: criteria provided, single submitter. Criteria: Invitae Variant Classification Sherloc (09022015). Collection method: clinical testing. Allele origin: germline.

GeneDx
Classification: Likely benign. Last evaluated: 2023-03-15. Review status: criteria provided, single submitter. Criteria: GeneDx Variant Classification Process June 2021. Collection method: clinical testing. Allele origin: germline. Affected: yes.
Comment: See Variant Classification Assertion Criteria.